The following is an entry in ClinVar:

ClinVar aggregate classification (germline): Uncertain significance. Review status: criteria provided, multiple submitters, no conflicts (2 of 4 stars). 2 submissions from 2 submitters: Uncertain significance (2). Last evaluated 2026-08-29.

Conditions:
Mosaic variegated aneuploidy syndrome 2 (MVA2). Identifiers: Orphanet 1052, MedGen C3279843, MONDO:0013582, OMIM 614114.
Inborn genetic diseases. Identifiers: MedGen C0950123, MeSH D030342.

Submissions (2):

Ambry Genetics
Classification: Uncertain significance for Inborn genetic diseases. Last evaluated: 2026-08-29. Review status: criteria provided, single submitter. Criteria: Ambry Variant Classification Scheme 2023. Collection method: clinical testing. Allele origin: germline.
Comment: The p.E398V variant (also known as c.1193A>T), located in coding exon 10 of the CEP57 gene, results from an A to T substitution at nucleotide position 1193. The glutamic acid at codon 398 is replaced by valine, an amino acid with dissimilar properties. This amino acid position is conserved. In addition, this alteration is predicted to be deleterious by in silico analysis. Based on the available evidence, the clinical significance of this variant remains unclear.

Labcorp Genetics (formerly Invitae), Labcorp
Classification: Uncertain significance for Mosaic variegated aneuploidy syndrome 2. Last evaluated: 2024-09-21. Review status: criteria provided, single submitter. Criteria: Invitae Variant Classification Sherloc (09022015). Collection method: clinical testing. Allele origin: germline.
Comment: This sequence change replaces glutamic acid, which is acidic and polar, with valine, which is neutral and non-polar, at codon 398 of the CEP57 protein (p.Glu398Val). This variant is present in population databases (rs762281489, gnomAD 0.006%). This variant has not been reported in the literature in individuals affected with CEP57-related conditions. Invitae Evidence Modeling of protein sequence and biophysical properties (such as structural, functional, and spatial information, amino acid conservation, physicochemical variation, residue mobility, and thermodynamic stability) indicates that this missense variant is expected to disrupt CEP57 protein function with a positive predictive value of 80%. In summary, the available evidence is currently insufficient to determine the role of this variant in disease. Therefore, it has been classified as a Variant of Uncertain Significance.

NM_014679.5(CEP57):c.1193A>T (p.Glu398Val)

Gene: CEP57 (centrosomal protein 57; plus strand). Cytogenetic location: 11q21.
Variant type: single nucleotide variant.
Coding change: c.1193A>T on transcript NM_014679.5 (MANE Select); coding-DNA position 1193, A replaced by T.
Protein change: p.Glu398Val; replaces glutamic acid 398 with valine.
Molecular consequence: missense variant.
Genome position (GRCh38, 1-based): chr11:95,829,252, A>T. VCF-style: chr11-95829252-A-T. GRCh37 (hg19) VCF-style: chr11-95562416-A-T.
Other names: c.1193A>T (NM_014679.4); c.1166A>T, p.Glu389Val (NM_001243776.2); c.1115A>T, p.Glu372Val (NM_001243777.2); c.1112A>T, p.Glu371Val (NM_001363604.2); short protein forms E371V, E372V, E389V, E398V.
Identifiers: ClinVar variation 3702733 (VCV003702733.3).